The following is an entry in ClinVar:

NM_000548.5(TSC2):c.225+7T>C

Gene: TSC2 (TSC complex subunit 2; plus strand). Cytogenetic location: 16p13.3.
Variant type: single nucleotide variant.
Coding change: c.225+7T>C on transcript NM_000548.5 (MANE Select); 7 bases into the intron after coding-DNA position 225, T replaced by C.
Molecular consequence: intron variant.
Genome position (GRCh38, 1-based): chr16:2,050,493, T>C. VCF-style: chr16-2050493-T-C. GRCh37 (hg19) VCF-style: chr16-2100494-T-C.
Other names: c.225+7T>C (NM_001114382.3, NM_021055.3, NM_001370405.1 and 4 more transcripts); c.-2+7T>C (NM_001318831.2); c.78+7T>C (NM_001318829.2); c.258+7T>C (NM_001318832.2).
Identifiers: ClinVar variation 758553 (VCV000758553.11), dbSNP rs1596246066, ClinGen allele CA915946204.
Genomic context (GRCh38, chr16:2,050,493, plus strand): 5'-ATCCGGATGATAGGGCAGATTTGTGAAGTCGCAAAAACCAAGAAATTTGAAGAGGTAGGT[T>C]TATCCAGTTGAGCTACTAGAGAGAGGCACGTAGACTATTCAGAGCCTGAGTTTGCTTTTT-3'

ClinVar aggregate classification (germline): Likely benign. Review status: criteria provided, multiple submitters, no conflicts (2 of 4 stars). 2 submissions from 2 submitters: Likely benign (2). Last evaluated 2025-05-02.

Conditions:
Tuberous sclerosis 2 (TSC2). Identifiers: Orphanet 805, MedGen C1860707, MONDO:0013199, OMIM 613254.

Allele frequency attached by ClinVar (database versions not stated): gnomAD exomes below 0.00001; TOPMed below 0.00001.
gnomAD v4.1: 3 of 1,613,586 alleles (0.00019%); highest among the groups gnomAD compares: African/African-American, 0.004%; no homozygotes.

Submissions (2):

Myriad Genetics, Inc.
Classification: Likely benign for Tuberous sclerosis 2. Last evaluated: 2025-05-02. Review status: criteria provided, single submitter. Criteria: Myriad Autosomal Dominant, Autosomal Recessive and X-Linked Classification Criteria (2023). Collection method: clinical testing. Allele origin: unknown.
Comment: This variant is considered likely benign. This variant is intronic and is not expected to impact mRNA splicing.

Labcorp Genetics (formerly Invitae), Labcorp
Classification: Likely benign for Tuberous sclerosis 2. Last evaluated: 2024-06-13. Review status: criteria provided, single submitter. Criteria: Invitae Variant Classification Sherloc (09022015). Collection method: clinical testing. Allele origin: germline.